The following is an entry in ClinVar:

ClinVar aggregate classification (germline): Uncertain significance. Review status: criteria provided, multiple submitters, no conflicts (2 of 4 stars). 4 submissions from 4 submitters: Uncertain significance (4). Last evaluated 2026-01-31.

Conditions:
Intrauterine growth retardation, metaphyseal dysplasia, adrenal hypoplasia congenita, genital anomalies, and immunodeficiency. Also called: IMAGEI SYNDROME. Identifiers: MedGen C5193036, MONDO:0032684, OMIM 618336.
Colorectal cancer, susceptibility to, 12 (CRCS12). Also called: COLORECTAL CANCER, SUSCEPTIBILITY TO, ON CHROMOSOME 12q24. Identifiers: Orphanet 220460, MedGen C3554460, MONDO:0014038, OMIM 615083.
Facial dysmorphism-immunodeficiency-livedo-short stature syndrome. Also called: Facial dysmorphism, immunodeficiency, livedo, and short stature; FILS syndrome. Identifiers: Orphanet 352712, MedGen C3554576, MONDO:0014058, OMIM 615139.
Hereditary cancer-predisposing syndrome. Also called: Tumor predisposition; Neoplastic Syndromes, Hereditary; Hereditary neoplastic syndrome; Hereditary Cancer Syndrome. Identifiers: Orphanet 140162, MedGen C0027672, MeSH D009386, MONDO:0015356.
Familial colorectal cancer. Identifiers: MedGen CN280943, MONDO:0023113. Disease mechanism: loss of function.

Allele frequency attached by ClinVar (database versions not stated): gnomAD exomes 0.00001; ExAC 0.00002.
gnomAD v4.1: 14 of 1,614,076 alleles (0.00087%); highest among the groups gnomAD compares: Non-Finnish European, 0.0012%; no homozygotes.

Submissions (4):

Labcorp Genetics (formerly Invitae), Labcorp
Classification: Uncertain significance. Last evaluated: 2026-01-31. Review status: criteria provided, single submitter. Criteria: Invitae Variant Classification Sherloc (09022015). Collection method: clinical testing. Allele origin: germline.
Comment: This sequence change replaces alanine, which is neutral and non-polar, with serine, which is neutral and polar, at codon 581 of the POLE protein (p.Ala581Ser). This variant is present in population databases (rs755090755, gnomAD 0.003%). This variant has not been reported in the literature in individuals affected with POLE-related conditions. ClinVar contains an entry for this variant (Variation ID: 584837). Invitae Evidence Modeling of protein sequence and biophysical properties (such as structural, functional, and spatial information, amino acid conservation, physicochemical variation, residue mobility, and thermodynamic stability) indicates that this missense variant is not expected to disrupt POLE protein function with a negative predictive value of 80%. In summary, the available evidence is currently insufficient to determine the role of this variant in disease. Therefore, it has been classified as a Variant of Uncertain Significance.

Ambry Genetics
Classification: Uncertain significance for Hereditary cancer-predisposing syndrome. Last evaluated: 2025-02-06. Review status: criteria provided, single submitter. Criteria: Ambry Variant Classification Scheme 2023. Collection method: clinical testing. Allele origin: germline.
Comment: The p.A581S variant (also known as c.1741G>T), located in coding exon 16 of the POLE gene, results from a G to T substitution at nucleotide position 1741. The alanine at codon 581 is replaced by serine, an amino acid with similar properties. This amino acid position is highly conserved in available vertebrate species. In addition, this alteration is predicted to be tolerated by in silico analysis. Based on the available evidence, the clinical significance of this variant remains unclear.

Fulgent Genetics
Classification: Uncertain significance for Colorectal cancer, susceptibility to, 12; Facial dysmorphism-immunodeficiency-livedo-short stature syndrome; Intrauterine growth retardation, metaphyseal dysplasia, adrenal hypoplasia congenita, genital anomalies, and immunodeficiency. Last evaluated: 2024-06-14. Review status: criteria provided, single submitter. Criteria: ACMG Guidelines, 2015. Collection method: clinical testing. Allele origin: germline.

Mendelics
Classification: Uncertain significance for Familial colorectal cancer. Last evaluated: 2018-07-02. Review status: criteria provided, single submitter. Criteria: Mendelics Assertion Criteria 2017. Collection method: clinical testing. Allele origin: unknown.

NM_006231.4(POLE):c.1741G>T (p.Ala581Ser)

Gene: POLE (DNA polymerase epsilon, catalytic subunit; minus strand). Cytogenetic location: 12q24.33.
Variant type: single nucleotide variant.
Coding change: c.1741G>T on transcript NM_006231.4 (MANE Select); coding-DNA position 1741, G replaced by T.
Protein change: p.Ala581Ser; replaces alanine 581 with serine.
Molecular consequence: missense variant.
Genome position (GRCh38, 1-based): chr12:132,672,268, C>A on the plus strand (G>T on the coding strand, the complement: POLE is on the minus strand). VCF-style: chr12-132672268-C-A. GRCh37 (hg19) VCF-style: chr12-133248854-C-A.
Other names: c.1741G>T (NM_006231.2); short protein forms A581S.
Identifiers: ClinVar variation 584837 (VCV000584837.11), dbSNP rs755090755, ClinGen allele CA6893843.
Genomic context (GRCh38, chr12:132,672,268, plus strand): 5'-TGGTTACCTCTTCAAAGTTGGTGACTTGCTCCACAGGCACTTTCTCCTCTTCCTCAAGGG[C>A]GTGGCGCAAGGTCTTCTCAACCCGCTGCAGCAGGAAGTCAAAGGCGGCAGGATTCTAGCA-3'
Protein context (NP_006222.2, residues 571-591): LQRVEKTLRH[Ala581Ser]LEEEEKVPVE